The following is an entry in ClinVar:

NM_000090.4(COL3A1):c.1294-13del

Gene: COL3A1 (collagen type III alpha 1 chain; plus strand). Cytogenetic location: 2q32.2.
Variant type: Deletion.
Coding change: c.1294-13del on transcript NM_000090.4 (MANE Select); 13 bases into the intron before coding-DNA position 1294, one base deleted (T; older notation c.1294-13delT).
Molecular consequence: intron variant.
Genome position (GRCh38, 1-based): chr2:188,994,528, T deleted; the last of 3 consecutive T bases (chr2:188,994,526-188,994,528); deleting any one gives the same sequence. VCF-style (leftmost placement, unchanged base first): chr2-188994525-CT-C. GRCh37 (hg19) VCF-style: chr2-189859251-CT-C.
Other names: c.1294-13delT (NM_000090.4).
Identifiers: ClinVar variation 2869788 (VCV002869788.4), dbSNP rs1288013074, ClinGen allele CA2662289052.

ClinVar aggregate classification (germline): Likely benign. Review status: criteria provided, multiple submitters, no conflicts (2 of 4 stars). 2 submissions from 2 submitters: Likely benign (2). Last evaluated 2025-10-31.

Conditions:
Ehlers-Danlos syndrome, type 4 (EDSVASC). Also called: Ehlers-Danlos syndrome vascular type; Ehlers Danlos syndrome, ecchymotic type; Ehlers Danlos syndrome, arterial type; Ehlers Danlos syndrome, Sack-Barabas type; Ehlers-Danlos Syndrome Type IV. Identifiers: Orphanet 286, MedGen C0268338, MONDO:0017314, OMIM 130050.

Submissions (2):

Women's Health and Genetics/Laboratory Corporation of America, LabCorp
Classification: Likely benign. Last evaluated: 2025-10-31. Review status: criteria provided, single submitter. Criteria: LabCorp Variant Classification Summary - May 2015. Collection method: clinical testing. Allele origin: germline.
Comment: Variant summary: COL3A1 c.1294-13delT alters a nucleotide located at a position not widely known to affect splicing. Consensus agreement among computation tools predict no significant impact on normal splicing. However, these predictions have yet to be confirmed by functional studies. The variant was absent in 251040 control chromosomes. The available data on variant occurrences in the general population are insufficient to allow any conclusion about variant significance. To our knowledge, no occurrence of c.1294-13delT in individuals affected with COL3A1-related conditions and no experimental evidence demonstrating its impact on protein function have been reported. ClinVar contains an entry for this variant (Variation ID: 2869788). Based on the evidence outlined above, the variant was classified as likely benign.

Labcorp Genetics (formerly Invitae), Labcorp
Classification: Likely benign for Ehlers-Danlos syndrome, type 4. Last evaluated: 2023-10-13. Review status: criteria provided, single submitter. Criteria: Invitae Variant Classification Sherloc (09022015). Collection method: clinical testing. Allele origin: germline.